The following is an entry in ClinVar:

NM_001114134.2(EPB42):c.741C>A (p.Gly247=)

Gene: EPB42 (erythrocyte membrane protein band 4.2; minus strand). Cytogenetic location: 15q15.2.
Variant type: single nucleotide variant.
Coding change: c.741C>A on transcript NM_001114134.2 (MANE Select); coding-DNA position 741, C replaced by A.
Protein change: p.Gly247=; no amino-acid change (glycine 247 retained).
Molecular consequence: synonymous variant.
Genome position (GRCh38, 1-based): chr15:43,209,365, G>T on the plus strand (C>A on the coding strand, the complement: EPB42 is on the minus strand). VCF-style: chr15-43209365-G-T. GRCh37 (hg19) VCF-style: chr15-43501563-G-T.
Other names: p.Gly277=; c.831C>A, p.Gly277= (NM_000119.3).
Identifiers: ClinVar variation 776884 (VCV000776884.20), dbSNP rs115626075, ClinGen allele CA7520531.

ClinVar aggregate classification (germline): Benign/Likely benign. Review status: criteria provided, multiple submitters, no conflicts (2 of 4 stars). 3 submissions from 3 submitters: Benign (1); Likely benign (2). Last evaluated 2025-11-27.

Conditions:
Hereditary spherocytosis type 5. Also called: EPB42-Related Spherocytosis; EPB42-Related Hereditary Spherocytosis. Identifiers: Orphanet 822, MedGen C2675192, MONDO:0012985, OMIM 612690.

Allele frequency attached by ClinVar (database versions not stated): 1000 Genomes Project 30x 0.00031; 1000 Genomes Project 0.00040; ExAC 0.00044; ESP Exome Variant Server 0.00146; gnomAD 0.00182; TOPMed 0.00187.
gnomAD v4.1: 425 of 1,614,086 alleles (0.026%); highest among the groups gnomAD compares: African/African-American, 0.49%; 3 homozygotes.

Submissions (3):

Labcorp Genetics (formerly Invitae), Labcorp
Classification: Benign. Last evaluated: 2025-11-27. Review status: criteria provided, single submitter. Criteria: Invitae Variant Classification Sherloc (09022015). Collection method: clinical testing. Allele origin: germline.

ARUP Laboratories, Molecular Genetics and Genomics, ARUP Laboratories
Classification: Likely benign for Hereditary spherocytosis type 5. Last evaluated: 2025-01-24. Review status: criteria provided, single submitter. Criteria: ARUP Molecular Germline Variant Investigation Process 2024. Collection method: clinical testing. Allele origin: germline.

Mayo Clinic Laboratories, Mayo Clinic
Classification: Likely benign. Last evaluated: 2024-09-30. Review status: criteria provided, single submitter. Criteria: ACMG Guidelines, 2015. Collection method: clinical testing. Allele origin: germline. Observed: 2 variant alleles.
Comment: BP4, BP7